The following is an entry in ClinVar:

NM_000278.5(PAX2):c.501C>T (p.Pro167=)

Gene: PAX2 (paired box 2; plus strand). Cytogenetic location: 10q24.31.
Variant type: single nucleotide variant.
Coding change: c.501C>T on transcript NM_000278.5 (MANE Select); coding-DNA position 501, C replaced by T.
Protein change: p.Pro167=; no amino-acid change (proline 167 retained).
Molecular consequence: synonymous variant.
Genome position (GRCh38, 1-based): chr10:100,781,250, C>T. VCF-style: chr10-100781250-C-T. GRCh37 (hg19) VCF-style: chr10-102541007-C-T.
Other names: c.594C>T, p.Pro198= (NM_001304569.2); c.501C>T, p.Pro167= (NM_003987.5, NM_003988.5, NM_003989.5 and 1 more transcripts).
Identifiers: ClinVar variation 2003818 (VCV002003818.4), dbSNP rs1285286322, ClinGen allele CA471215874.

ClinVar aggregate classification (germline): Uncertain significance (1 of 4 stars; one submission).

Conditions:
Renal coloboma syndrome (PAPRS). Also called: PAPILLORENAL SYNDROME; COLOBOMA OF OPTIC NERVE WITH RENAL DISEASE; OPTIC COLOBOMA, VESICOURETERAL REFLUX, AND RENAL ANOMALIES; OPTIC NERVE COLOBOMA WITH RENAL DISEASE; RENAL-COLOBOMA SYNDROME WITH MACULAR ABNORMALITIES; PAPILLORENAL SYNDROME WITH MILD OCULAR ABNORMALITIES. Identifiers: Orphanet 1475, MedGen C1852759, MONDO:0007352, OMIM 120330.
Focal segmental glomerulosclerosis 7 (FSGS7). Identifiers: Orphanet 656, MedGen C4014925, MONDO:0014451, OMIM 616002.

Submission:

Labcorp Genetics (formerly Invitae), Labcorp
Classification: Uncertain significance for Renal coloboma syndrome; Focal segmental glomerulosclerosis 7. Last evaluated: 2022-06-09. Review status: criteria provided, single submitter. Criteria: Invitae Variant Classification Sherloc (09022015). Collection method: clinical testing. Allele origin: germline.
Comment: In summary, the available evidence is currently insufficient to determine the role of this variant in disease. Therefore, it has been classified as a Variant of Uncertain Significance. Algorithms developed to predict the effect of sequence changes on RNA splicing suggest that this variant may create or strengthen a splice site. This variant has not been reported in the literature in individuals affected with PAX2-related conditions. This variant is not present in population databases (gnomAD no frequency). This sequence change affects codon 167 of the PAX2 mRNA. It is a 'silent' change, meaning that it does not change the encoded amino acid sequence of the PAX2 protein.